The following is an entry in ClinVar:

NM_203447.4(DOCK8):c.1115A>G (p.Asp372Gly)

Gene: DOCK8 (dedicator of cytokinesis 8; plus strand). Cytogenetic location: 9p24.3.
Variant type: single nucleotide variant.
Coding change: c.1115A>G on transcript NM_203447.4 (MANE Select); coding-DNA position 1115, A replaced by G.
Protein change: p.Asp372Gly; replaces aspartic acid 372 with glycine.
Molecular consequence: missense variant.
Genome position (GRCh38, 1-based): chr9:332,468, A>G. VCF-style: chr9-332468-A-G. GRCh37 (hg19) VCF-style: chr9-332468-A-G.
Other names: c.911A>G, p.Asp304Gly (NM_001190458.2, NM_001193536.2); short protein forms D372G, D304G.
Identifiers: ClinVar variation 2141560 (VCV002141560.1), dbSNP rs180928267, ClinGen allele CA4957604.

ClinVar aggregate classification (germline): Uncertain significance (1 of 4 stars; one submission).

Conditions:
Combined immunodeficiency due to DOCK8 deficiency (HIES2). Also called: HIES autosomal recessive; DOCK8 Deficiency; Hyper-IgE recurrent infection syndrome, autosomal recessive; HYPER-IgE RECURRENT INFECTION SYNDROME 2, AUTOSOMAL RECESSIVE; HYPER-IgE SYNDROME 2, AUTOSOMAL RECESSIVE, WITH RECURRENT INFECTIONS. Identifiers: Orphanet 217390, MedGen C4722305, MONDO:0009478, OMIM 243700.

Allele frequency attached by ClinVar (database versions not stated): gnomAD exomes 0.00001; ExAC 0.00002; gnomAD 0.00002; TOPMed 0.00002; 1000 Genomes Project 0.00020; 1000 Genomes Project 30x 0.00031.
gnomAD v4.1: 11 of 1,611,290 alleles (0.00068%); highest among the groups gnomAD compares: Admixed American, 0.0083%; no homozygotes.

Submission:

Labcorp Genetics (formerly Invitae), Labcorp
Classification: Uncertain significance for Combined immunodeficiency due to DOCK8 deficiency. Last evaluated: 2022-02-08. Review status: criteria provided, single submitter. Criteria: Invitae Variant Classification Sherloc (09022015). Collection method: clinical testing. Allele origin: germline.
Comment: This sequence change replaces aspartic acid, which is acidic and polar, with glycine, which is neutral and non-polar, at codon 372 of the DOCK8 protein (p.Asp372Gly). This variant is present in population databases (rs180928267, gnomAD 0.006%). This variant has not been reported in the literature in individuals affected with DOCK8-related conditions. Algorithms developed to predict the effect of missense changes on protein structure and function are either unavailable or do not agree on the potential impact of this missense change (SIFT: "Deleterious"; PolyPhen-2: "Possibly Damaging"; Align-GVGD: "Class C0"). In summary, the available evidence is currently insufficient to determine the role of this variant in disease. Therefore, it has been classified as a Variant of Uncertain Significance.